The following is an entry in ClinVar:

ClinVar aggregate classification (germline): Conflicting classifications of pathogenicity. Review status: criteria provided, conflicting classifications (1 of 4 stars). 3 submissions from 3 submitters: Uncertain significance (1); Benign (1). 1 of the submissions does not count toward it. Last evaluated 2026-01-16.

Conditions:
Nemaline myopathy 2 (NEM2). Also called: Nemaline myopathy 2, autosomal recessive. Identifiers: MedGen C1850569, MONDO:0009725, OMIM 256030.

Allele frequency attached by ClinVar (database versions not stated): gnomAD exomes 0.00001 and 0.00002; ExAC 0.00003; ESP Exome Variant Server 0.00008; gnomAD 0.00009; TOPMed 0.00015; 1000 Genomes Project 30x 0.00016; 1000 Genomes Project 0.00020.
gnomAD v4.1: 24 of 1,594,466 alleles (0.0015%); highest among the groups gnomAD compares: African/African-American, 0.032%; no homozygotes.

Submissions (3):

Labcorp Genetics (formerly Invitae), Labcorp
Classification: Benign for Nemaline myopathy 2. Last evaluated: 2026-01-16. Review status: criteria provided, single submitter. Criteria: Invitae Variant Classification Sherloc (09022015). Collection method: clinical testing. Allele origin: germline.

GeneDx
Classification: Uncertain significance. Last evaluated: 2021-04-07. Review status: criteria provided, single submitter. Criteria: GeneDx Variant Classification Process June 2021. Collection method: clinical testing. Allele origin: germline. Affected: yes.
Comment: In silico analysis supports that this missense variant has a deleterious effect on protein structure/function; Has not been previously published as pathogenic or benign to our knowledge

Natera, Inc.
Classification: Uncertain significance for Nemaline myopathy type 2. Last evaluated: 2021-03-09. Review status: no assertion criteria provided. Collection method: clinical testing. Allele origin: germline. Not counted in ClinVar's aggregate classification.

NM_001164508.2(NEB):c.18278A>T (p.Asn6093Ile)

Gene: NEB (nebulin; minus strand). Cytogenetic location: 2q23.3.
Variant type: single nucleotide variant.
Coding change: c.18278A>T on transcript NM_001164508.2 (MANE Select); coding-DNA position 18278, A replaced by T.
Protein change: p.Asn6093Ile; replaces asparagine 6093 with isoleucine.
Molecular consequence: missense variant.
Genome position (GRCh38, 1-based): chr2:151,565,589, T>A on the plus strand (A>T on the coding strand, the complement: NEB is on the minus strand). VCF-style: chr2-151565589-T-A. GRCh37 (hg19) VCF-style: chr2-152422103-T-A.
Other names: c.18278A>T, p.Asn6093Ile (NM_001164507.2, NM_001271208.2); c.13175A>T, p.Asn4392Ile (NM_004543.5); short protein forms N4392I, N6093I.
Identifiers: ClinVar variation 939558 (VCV000939558.11), dbSNP rs370695020, ClinGen allele CA1907989.